The following is an entry in ClinVar:

NM_000038.6(APC):c.3738T>G (p.Ala1246=)

Gene: APC (APC regulator of Wnt signaling pathway; plus strand). Cytogenetic location: 5q22.2.
Variant type: single nucleotide variant.
Coding change: c.3738T>G on transcript NM_000038.6 (MANE Select); coding-DNA position 3738, T replaced by G.
Protein change: p.Ala1246=; no amino-acid change (alanine 1246 retained).
Molecular consequence: synonymous variant. On other transcripts: non-coding transcript variant (2).
Genome position (GRCh38, 1-based): chr5:112,839,332, T>G. VCF-style: chr5-112839332-T-G. GRCh37 (hg19) VCF-style: chr5-112175029-T-G.
Other names: c.3738T>G, p.Ala1246= (NM_001127510.3, NM_001354895.2, NM_001407450.1); c.3684T>G, p.Ala1228= (NM_001127511.3); c.3792T>G, p.Ala1264= (NM_001354896.2, NM_001407447.1, NM_001407448.1 and 1 more transcripts); c.3768T>G, p.Ala1256= (NM_001354897.2); c.3663T>G, p.Ala1221= (NM_001354898.2); c.3654T>G, p.Ala1218= (NM_001354899.2); c.3615T>G, p.Ala1205= (NM_001354900.2); c.3561T>G, p.Ala1187= (NM_001354901.2, NM_001407453.1); and 12 more.
Identifiers: ClinVar variation 3148501 (VCV003148501.1), dbSNP rs772689871, ClinGen allele CA445964000.

ClinVar aggregate classification (germline): Benign/Likely benign. Review status: criteria provided, multiple submitters, no conflicts (2 of 4 stars). 2 submissions from 2 submitters: Benign (1); Likely benign (1). Last evaluated 2024-03-22.

Conditions:
Hereditary cancer-predisposing syndrome. Also called: Neoplastic Syndromes, Hereditary; Tumor predisposition; Hereditary neoplastic syndrome; Hereditary Cancer Syndrome. Identifiers: Orphanet 140162, MedGen C0027672, MeSH D009386, MONDO:0015356.
Familial adenomatous polyposis 1 (FAP1). Also called: POLYPOSIS, ADENOMATOUS INTESTINAL; FAMILIAL ADENOMATOUS POLYPOSIS 1, ATTENUATED. Identifiers: MedGen C2713442, MONDO:0021056, OMIM 175100. Disease mechanism: loss of function.

Submissions (2):

Myriad Genetics, Inc.
Classification: Benign for Familial adenomatous polyposis 1. Last evaluated: 2024-03-22. Review status: criteria provided, single submitter. Criteria: Myriad Autosomal Dominant, Autosomal Recessive and X-Linked Classification Criteria (2023). Collection method: clinical testing. Allele origin: unknown.
Comment: This variant is considered benign. This variant is a silent/synonymous amino acid change and it is not expected to impact splicing.

Ambry Genetics
Classification: Likely benign for Hereditary cancer-predisposing syndrome. Last evaluated: 2024-01-11. Review status: criteria provided, single submitter. Criteria: Ambry Variant Classification Scheme 2023. Collection method: clinical testing. Allele origin: germline.